The following is an entry in ClinVar:

ClinVar aggregate classification (germline): Uncertain significance (1 of 4 stars; one submission).

Submission:

Labcorp Genetics (formerly Invitae), Labcorp
Classification: Uncertain significance. Last evaluated: 2024-12-30. Review status: criteria provided, single submitter. Criteria: Invitae Variant Classification Sherloc (09022015). Collection method: clinical testing. Allele origin: germline.
Comment: This sequence change replaces glutamine, which is neutral and polar, with histidine, which is basic and polar, at codon 541 of the HNF1A protein (p.Gln541His). This variant also falls at the last nucleotide of exon 8, which is part of the consensus splice site for this exon. This variant is not present in population databases (gnomAD no frequency). This missense change has been observed in individual(s) with clinical features of maturity onset diabetes of the young (MODY) (internal data). An algorithm developed to predict the effect of missense changes on protein structure and function (PolyPhen-2) suggests that this variant is likely to be disruptive. Variants that disrupt the consensus splice site are a relatively common cause of aberrant splicing (PMID: 17576681, 9536098). In summary, the available evidence is currently insufficient to determine the role of this variant in disease. Therefore, it has been classified as a Variant of Uncertain Significance.

Literature cited by the submitters: PubMed 17576681; PubMed 9536098.

NM_000545.8(HNF1A):c.1623G>T (p.Gln541His)

Gene: HNF1A (HNF1 homeobox A; plus strand). Cytogenetic location: 12q24.31.
Variant type: single nucleotide variant.
Coding change: c.1623G>T on transcript NM_000545.8 (MANE Select); coding-DNA position 1623, G replaced by T.
Protein change: p.Gln541His; replaces glutamine 541 with histidine.
Molecular consequence: missense variant.
Genome position (GRCh38, 1-based): chr12:120,999,389, G>T. VCF-style: chr12-120999389-G-T. GRCh37 (hg19) VCF-style: chr12-121437192-G-T.
Other names: c.1623G>T, p.Gln541His (NM_001306179.2); c.1431G>T, p.Gln477His (NM_001406915.1); short protein forms Q477H, Q541H.
Identifiers: ClinVar variation 3728281 (VCV003728281.2).